The following is an entry in ClinVar:

ClinVar aggregate classification (germline): Uncertain significance (1 of 4 stars; one submission).

Conditions:
Inborn genetic diseases. Identifiers: MedGen C0950123, MeSH D030342.

gnomAD v4.1: 1 of 1,613,976 alleles (0.000062%); highest among the groups gnomAD compares: Non-Finnish European, 0.000085%; no homozygotes.

Submission:

Ambry Genetics
Classification: Uncertain significance for Inborn genetic diseases. Last evaluated: 2024-07-14. Review status: criteria provided, single submitter. Criteria: Ambry Variant Classification Scheme 2023. Collection method: clinical testing. Allele origin: germline.
Comment: The p.S683Y variant (also known as c.2048C>A), located in coding exon 13 of the EPAS1 gene, results from a C to A substitution at nucleotide position 2048. The serine at codon 683 is replaced by tyrosine, an amino acid with dissimilar properties. This amino acid position is conserved. In addition, this alteration is predicted to be tolerated by in silico analysis. Based on the available evidence, the clinical significance of this variant remains unclear.

NM_001430.5(EPAS1):c.2048C>A (p.Ser683Tyr)

Gene: EPAS1 (endothelial PAS domain protein 1; plus strand). Cytogenetic location: 2p21.
Variant type: single nucleotide variant.
Coding change: c.2048C>A on transcript NM_001430.5 (MANE Select); coding-DNA position 2048, C replaced by A.
Protein change: p.Ser683Tyr; replaces serine 683 with tyrosine.
Molecular consequence: missense variant.
Genome position (GRCh38, 1-based): chr2:46,381,598, C>A. VCF-style: chr2-46381598-C-A. GRCh37 (hg19) VCF-style: chr2-46608737-C-A.
Other names: short protein forms S683Y.
Identifiers: ClinVar variation 3508952 (VCV003508952.1).